The following is an entry in ClinVar:

NM_001567.4(INPPL1):c.94_121del (p.Glu32fs)

Genes: INPPL1 (inositol polyphosphate phosphatase like 1; plus strand), LOC130006328 (ATAC-STARR-seq lymphoblastoid silent region 3717; plus strand). Cytogenetic location: 11q13.4.
Variant type: Deletion.
Coding change: c.94_121del on transcript NM_001567.4 (MANE Select); coding-DNA positions 94 to 121, 28 bases deleted (GAGGAGCTGCTGGCCCGGGCGGGCCGCG).
Protein change: p.Glu32fs; shifts the reading frame from glutamic acid 32.
Molecular consequence: frameshift variant.
Genome position (GRCh38, 1-based): chr11:72,225,078-72,225,105, GAGGAGCTGCTGGCCCGGGCGGGCCGCG deleted; deleting any 28 consecutive bases within chr11:72,225,071-72,225,105 gives the same sequence; the c. name uses the placement nearest the transcript's 3' end. VCF-style (leftmost placement, unchanged base first): chr11-72225070-CGGCCGCGGAGGAGCTGCTGGCCCGGGCG-C. GRCh37 (hg19) VCF-style: chr11-71936114-CGGCCGCGGAGGAGCTGCTGGCCCGGGCG-C.
Other names: short protein forms E32fs.
Identifiers: ClinVar variation 39481 (VCV000039481.5), dbSNP rs797044470, ClinGen allele CA213058.

ClinVar aggregate classification (germline): Pathogenic. Review status: criteria provided, multiple submitters, no conflicts (2 of 4 stars). 3 submissions from 3 submitters: Pathogenic (2). 1 of the submissions does not count toward it. Last evaluated 2024-01-30.

Conditions:
Opsismodysplasia (OPSMD). Also called: INPPL1-Related Opsismodysplasia. Identifiers: Orphanet 2746, MedGen C0432219, MONDO:0009785, OMIM 258480.

Submissions (3):

Labcorp Genetics (formerly Invitae), Labcorp
Classification: Pathogenic. Last evaluated: 2024-01-30. Review status: criteria provided, single submitter. Criteria: Invitae Variant Classification Sherloc (09022015). Collection method: clinical testing. Allele origin: germline.
Comment: This sequence change creates a premature translational stop signal (p.Glu32Metfs*77) in the INPPL1 gene. It is expected to result in an absent or disrupted protein product. Loss-of-function variants in INPPL1 are known to be pathogenic (PMID: 23273567, 23273569). This variant is not present in population databases (gnomAD no frequency). This premature translational stop signal has been observed in individuals with INPPL1-related conditions (PMID: 23273569, 34529350). ClinVar contains an entry for this variant (Variation ID: 39481). For these reasons, this variant has been classified as Pathogenic.

Mendelics
Classification: Pathogenic for Opsismodysplasia. Last evaluated: 2019-05-28. Review status: criteria provided, single submitter. Criteria: Mendelics Assertion Criteria 2017. Collection method: clinical testing. Allele origin: unknown.

OMIM
Classification: Pathogenic for OPSISMODYSPLASIA. Last evaluated: 2013-01-10. Review status: no assertion criteria provided. Collection method: literature only. Allele origin: germline. Not counted in ClinVar's aggregate classification.

Literature cited by the submitters: PubMed 23273567 (cited by Labcorp Genetics (formerly Invitae), Labcorp); PubMed 23273569 (cited by Labcorp Genetics (formerly Invitae), Labcorp and OMIM); PubMed 34529350 (cited by Labcorp Genetics (formerly Invitae), Labcorp).